The following is an entry in ClinVar:

NM_001114753.3(ENG):c.63dup (p.Thr22fs)

Gene: ENG (endoglin; minus strand). Cytogenetic location: 9q34.11.
Variant type: Duplication.
Coding change: c.63dup on transcript NM_001114753.3 (MANE Select); coding-DNA position 63, one base duplicated (C; older notation c.63dupC).
Protein change: p.Thr22fs; shifts the reading frame from threonine 22.
Molecular consequence: frameshift variant.
Genome position (GRCh38, 1-based): chr9:127,854,293, G duplicated on the plus strand (C on the coding strand, the reverse complement: ENG is on the minus strand); the first of 4 consecutive G bases (chr9:127,854,293-127,854,296); duplicating any one gives the same sequence. VCF-style (leftmost placement, unchanged base first): chr9-127854292-T-TG. GRCh37 (hg19) VCF-style: chr9-130616571-T-TG.
Other names: c.60dup, p.Thr22Hisfs (NM_000118.4, NM_001406715.1); c.63_64insC (NM_000118.3); short protein forms T22fs.
Identifiers: ClinVar variation 982474 (VCV000982474.3), dbSNP rs1829096099, ClinGen allele CA1139661232.
Genomic context (GRCh38, chr9:127,854,292, plus strand): 5'-GGCCTGGTCCGTGCACCGGAGGCCGAGTCTCCCCACCCTGGGTCCCTGGACACCTACTTG[T>TG]GGGGCTGAGGCTGCAGCTGGCCAGCAGCAGGGCAACAGCCAGAGGGAGCGTGCCGCGGTC-3'

ClinVar aggregate classification (germline): Pathogenic (1 of 4 stars; one submission).

Conditions:
Telangiectasia, hereditary hemorrhagic, type 1 (HHT1). Also called: Osler Weber Rendu syndrome type 1; ENG-Related Hereditary Hemorrhagic Telangiectasia. Identifiers: Orphanet 774, MedGen C4551861, MONDO:0008535, OMIM 187300. Disease mechanism: loss of function.

Submission:

NIHR Bioresource Rare Diseases, University of Cambridge
Classification: Pathogenic for Telangiectasia, hereditary hemorrhagic, type 1. Last evaluated: 2018-01-01. Review status: criteria provided, single submitter. Criteria: ACMG Guidelines, 2015. Collection method: research. Allele origin: unknown. Affected: yes. Observed: 1 variant allele.
Comment: PVS1+PM2+PP4

Literature cited by the submitters: PubMed 32573726.